The following is an entry in ClinVar:

NM_001365951.3(KIF1B):c.1911G>A (p.Pro637=)

Gene: KIF1B (kinesin family member 1B; plus strand). Cytogenetic location: 1p36.22.
Variant type: single nucleotide variant.
Coding change: c.1911G>A on transcript NM_001365951.3 (MANE Select); coding-DNA position 1911, G replaced by A.
Protein change: p.Pro637=; no amino-acid change (proline 637 retained).
Molecular consequence: synonymous variant.
Genome position (GRCh38, 1-based): chr1:10,296,946, G>A. VCF-style: chr1-10296946-G-A. GRCh37 (hg19) VCF-style: chr1-10357004-G-A.
Other names: c.1911G>A, p.Pro637= (NM_001365952.1); c.1773G>A, p.Pro591= (NM_001365953.1, NM_015074.3, NM_183416.4).
Identifiers: ClinVar variation 999694 (VCV000999694.12), dbSNP rs138876135, ClinGen allele CA581128.

ClinVar aggregate classification (germline): Uncertain significance. Review status: criteria provided, multiple submitters, no conflicts (2 of 4 stars). 2 submissions from 2 submitters: Uncertain significance (2). Last evaluated 2025-10-07.

Conditions:
Charcot-Marie-Tooth disease type 2. Also called: Charcot-Marie-Tooth type 2. Identifiers: Orphanet 64746, MedGen C0270914, MONDO:0018993.

Allele frequency attached by ClinVar (database versions not stated): gnomAD 0.00001 and 0.00002; ExAC 0.00002; 1000 Genomes Project 0.00020; gnomAD exomes 0.00001; 1000 Genomes Project 30x 0.00031.
gnomAD v4.1: 22 of 1,613,968 alleles (0.0014%); highest among the groups gnomAD compares: African/African-American, 0.004%; no homozygotes.

Submissions (2):

Labcorp Genetics (formerly Invitae), Labcorp
Classification: Uncertain significance for Charcot-Marie-Tooth disease type 2. Last evaluated: 2025-10-07. Review status: criteria provided, single submitter. Criteria: Invitae Variant Classification Sherloc (09022015). Collection method: clinical testing. Allele origin: germline.
Comment: This sequence change affects codon 591 of the KIF1B mRNA. It is a 'silent' change, meaning that it does not change the encoded amino acid sequence of the KIF1B protein. This variant is present in population databases (rs138876135, gnomAD 0.01%). This variant has not been reported in the literature in individuals affected with KIF1B-related conditions. ClinVar contains an entry for this variant (Variation ID: 999694). Algorithms developed to predict the effect of sequence changes on RNA splicing suggest that this variant may create or strengthen a splice site. In summary, the available evidence is currently insufficient to determine the role of this variant in disease. Therefore, it has been classified as a Variant of Uncertain Significance.

Ambry Genetics
Classification: Uncertain significance. Last evaluated: 2024-04-22. Review status: criteria provided, single submitter. Criteria: Ambry Variant Classification Scheme 2023. Collection method: clinical testing. Allele origin: germline.
Comment: The c.1773G>A variant (also known as p.P591P), located in coding exon 18 of the KIF1B gene, results from a G to A substitution at nucleotide position 1773. This nucleotide substitution does not change the proline at codon 591. This nucleotide position is not well conserved in available vertebrate species. In silico splice site analysis predicts that this alteration will result in the creation or strengthening of a novel splice acceptor site. The evidence for this gene-disease relationship is limited; therefore, the clinical significance of this alteration is unclear.